The following is an entry in ClinVar:

NM_000083.3(CLCN1):c.1471+2del

Gene: CLCN1 (chloride voltage-gated channel 1; plus strand). Cytogenetic location: 7q34.
Variant type: Deletion.
Coding change: c.1471+2del on transcript NM_000083.3 (MANE Select); the canonical splice donor site of the intron after coding-DNA position 1471, one base deleted (T; older notation c.1471+2delT).
Molecular consequence: splice donor variant.
Genome position (GRCh38, 1-based): chr7:143,339,324, T deleted. VCF-style (leftmost placement, unchanged base first): chr7-143339323-GT-G. GRCh37 (hg19) VCF-style: chr7-143036416-GT-G.
Identifiers: ClinVar variation 1514910 (VCV001514910.6), dbSNP rs2116864878, ClinGen allele CA2573141803.

ClinVar aggregate classification (germline): Likely pathogenic (1 of 4 stars; one submission).

Conditions:
Congenital myotonia, autosomal dominant form (THD). Also called: THOMSEN DISEASE; Myotonia congenita autosomal dominant. Identifiers: Orphanet 614, MedGen C2936781, MONDO:0008055, OMIM 160800.
Congenital myotonia, autosomal recessive form. Also called: myotonia congenita, autosomal recessive; BECKER DISEASE; Becker Generalized Myotonia. Identifiers: Orphanet 614, MedGen C0751360, MONDO:0009715, OMIM 255700.

Submission:

Labcorp Genetics (formerly Invitae), Labcorp
Classification: Likely pathogenic for Congenital myotonia, autosomal recessive form; Congenital myotonia, autosomal dominant form. Last evaluated: 2021-10-14. Review status: criteria provided, single submitter. Criteria: Invitae Variant Classification Sherloc (09022015). Collection method: clinical testing. Allele origin: germline.
Comment: This sequence change affects a splice site in intron 13 of the CLCN1 gene. It is expected to disrupt RNA splicing. Variants that disrupt the donor or acceptor splice site typically lead to a loss of protein function (PMID: 16199547), and loss-of-function variants in CLCN1 are known to be pathogenic (PMID: 17932099, 22094069, 23739125). This variant is not present in population databases (ExAC no frequency). This variant has not been reported in the literature in individuals affected with CLCN1-related conditions. Algorithms developed to predict the effect of sequence changes on RNA splicing suggest that this variant may disrupt the consensus splice site. In summary, the currently available evidence indicates that the variant is pathogenic, but additional data are needed to prove that conclusively. Therefore, this variant has been classified as Likely Pathogenic.

Literature cited by the submitters: PubMed 16199547; PubMed 17932099; PubMed 22094069; PubMed 23739125.